The following is an entry in ClinVar:

NM_001077350.3(NPRL3):c.1278C>G (p.Asp426Glu)

Genes: HBA-LCR (alpha-globin locus control region; plus strand), NPRL3 (NPR3 like, GATOR1 complex subunit; minus strand). Cytogenetic location: 16p13.3.
Variant type: single nucleotide variant.
Coding change: c.1278C>G on transcript NM_001077350.3 (MANE Select); coding-DNA position 1278, C replaced by G.
Protein change: p.Asp426Glu; replaces aspartic acid 426 with glutamic acid.
Molecular consequence: missense variant.
Genome position (GRCh38, 1-based): chr16:89,786, G>C on the plus strand (C>G on the coding strand, the complement: NPRL3 is on the minus strand). VCF-style: chr16-89786-G-C. GRCh37 (hg19) VCF-style: chr16-139784-G-C.
Other names: c.741C>G, p.Asp247Glu (NM_001039476.3); c.1044C>G, p.Asp348Glu (NM_001243247.2); c.1203C>G, p.Asp401Glu (NM_001243248.2, NM_001243249.2); short protein forms D426E, D401E, D247E, D348E.
Identifiers: ClinVar variation 476219 (VCV000476219.15), dbSNP rs74712570, ClinGen allele CA7769389.

ClinVar aggregate classification (germline): Benign. Review status: criteria provided, multiple submitters, no conflicts (2 of 4 stars). 4 submissions from 4 submitters: Benign (3). 1 of the submissions does not count toward it. Last evaluated 2026-01-28.

Conditions:
NPRL3-related disorder. Also called: NPRL3-related condition.
Epilepsy, familial focal, with variable foci 3 (FFEVF3). Identifiers: MedGen C4310708, MONDO:0014925, OMIM 617118.

Allele frequency attached by ClinVar (database versions not stated): ESP Exome Variant Server 0.01304; TOPMed 0.01442; 1000 Genomes Project 0.02077; 1000 Genomes Project 30x 0.02327.
gnomAD v4.1: 6,537 of 1,600,348 alleles (0.41%); highest among the groups gnomAD compares: African/African-American, 4.7%; 167 homozygotes.

Submissions (4):

Labcorp Genetics (formerly Invitae), Labcorp
Classification: Benign for Epilepsy, familial focal, with variable foci 3. Last evaluated: 2026-01-28. Review status: criteria provided, single submitter. Criteria: Invitae Variant Classification Sherloc (09022015). Collection method: clinical testing. Allele origin: germline.

GeneDx
Classification: Benign. Last evaluated: 2019-07-18. Review status: criteria provided, single submitter. Criteria: GeneDx Variant Classification Process June 2021. Collection method: clinical testing. Allele origin: germline. Affected: yes.

Breakthrough Genomics
Classification: Benign. Review status: criteria provided, single submitter. Criteria: ACMG Guidelines, 2015. Collection method: not provided. Allele origin: germline. Inheritance: Autosomal dominant inheritance. Affected: yes.

PreventionGenetics, part of Exact Sciences
Classification: Benign for NPRL3-related condition. Last evaluated: 2019-03-13. Review status: no assertion criteria provided. Collection method: clinical testing. Allele origin: germline. Not counted in ClinVar's aggregate classification.
Comment: This variant is classified as benign based on ACMG/AMP sequence variant interpretation guidelines (Richards et al. 2015 PMID: 25741868, with internal and published modifications).